The following is an entry in ClinVar:

ClinVar aggregate classification (germline): Uncertain significance (1 of 4 stars; one submission).

gnomAD v4.1: 11 of 1,614,236 alleles (0.00068%); highest among the groups gnomAD compares: Non-Finnish European, 0.00076%; no homozygotes.

Submission:

Women's Health and Genetics/Laboratory Corporation of America, LabCorp
Classification: Uncertain significance. Last evaluated: 2024-12-03. Review status: criteria provided, single submitter. Criteria: LabCorp Variant Classification Summary - May 2015. Collection method: clinical testing. Allele origin: germline.
Comment: Variant summary: ANKRD17 c.6074C>T (p.Thr2025Ile) results in a non-conservative amino acid change in the encoded protein sequence. Three of five in-silico tools predict a damaging effect of the variant on protein function. The variant allele was found at a frequency of 1.2e-05 in 251240 control chromosomes. The available data on variant occurrences in the general population are insufficient to allow any conclusion about variant significance. To our knowledge, no occurrence of c.6074C>T in individuals affected with Chopra-Amiel Syndrome and no experimental evidence demonstrating its impact on protein function have been reported. No submitters have cited clinical-significance assessments for this variant to ClinVar. Based on the evidence outlined above, the variant was classified as uncertain significance.

NM_032217.5(ANKRD17):c.6074C>T (p.Thr2025Ile)

Gene: ANKRD17 (ankyrin repeat domain 17; minus strand). Cytogenetic location: 4q13.3.
Variant type: single nucleotide variant.
Coding change: c.6074C>T on transcript NM_032217.5 (MANE Select); coding-DNA position 6074, C replaced by T.
Protein change: p.Thr2025Ile; replaces threonine 2025 with isoleucine.
Molecular consequence: missense variant.
Genome position (GRCh38, 1-based): chr4:73,091,554, G>A on the plus strand (C>T on the coding strand, the complement: ANKRD17 is on the minus strand). VCF-style: chr4-73091554-G-A. GRCh37 (hg19) VCF-style: chr4-73957271-G-A.
Other names: c.5735C>T, p.Thr1912Ile (NM_001286771.3); c.6071C>T, p.Thr2024Ile (NM_015574.2); c.5321C>T, p.Thr1774Ile (NM_198889.3); short protein forms T1774I, T1912I, T2024I, T2025I.
Identifiers: ClinVar variation 3768329 (VCV003768329.1).